The following is an entry in ClinVar:

NM_017617.5(NOTCH1):c.1156A>G (p.Asn386Asp)

Gene: NOTCH1 (notch receptor 1; minus strand). Cytogenetic location: 9q34.3.
Variant type: single nucleotide variant.
Coding change: c.1156A>G on transcript NM_017617.5 (MANE Select); coding-DNA position 1156, A replaced by G.
Protein change: p.Asn386Asp; replaces asparagine 386 with aspartic acid.
Molecular consequence: missense variant.
Genome position (GRCh38, 1-based): chr9:136,518,236, T>C on the plus strand (A>G on the coding strand, the complement: NOTCH1 is on the minus strand). VCF-style: chr9-136518236-T-C. GRCh37 (hg19) VCF-style: chr9-139412688-T-C.
Other names: short protein forms N386D.
Identifiers: ClinVar variation 1735384 (VCV001735384.6), dbSNP rs754374362, ClinGen allele CA5341898.

ClinVar aggregate classification (germline): Conflicting classifications of pathogenicity. Review status: criteria provided, conflicting classifications (1 of 4 stars). 2 submissions from 2 submitters: Uncertain significance (1); Benign (1). Last evaluated 2025-08-25.

Conditions:
Adams-Oliver syndrome 5 (AOS5). Identifiers: Orphanet 974, MedGen C4014970, MONDO:0014459, OMIM 616028.
Familial thoracic aortic aneurysm and aortic dissection (TAAD). Also called: Thoracic aortic aneurysms and dissections. Identifiers: Orphanet 91387, MedGen C4707243, MONDO:0019625.

Allele frequency attached by ClinVar (database versions not stated): gnomAD exomes below 0.00001; ExAC 0.00001; TOPMed 0.00002; gnomAD 0.00004.
gnomAD v4.1: 12 of 1,610,678 alleles (0.00075%); highest among the groups gnomAD compares: African/African-American, 0.013%; no homozygotes.

Submissions (2):

Labcorp Genetics (formerly Invitae), Labcorp
Classification: Benign for Adams-Oliver syndrome 5. Last evaluated: 2025-08-25. Review status: criteria provided, single submitter. Criteria: Invitae Variant Classification Sherloc (09022015). Collection method: clinical testing. Allele origin: germline.

Ambry Genetics
Classification: Uncertain significance for Familial thoracic aortic aneurysm and aortic dissection. Last evaluated: 2025-02-22. Review status: criteria provided, single submitter. Criteria: Ambry Variant Classification Scheme 2023. Collection method: clinical testing. Allele origin: germline.
Comment: The p.N386D variant (also known as c.1156A>G), located in coding exon 7 of the NOTCH1 gene, results from an A to G substitution at nucleotide position 1156. The asparagine at codon 386 is replaced by aspartic acid, an amino acid with highly similar properties. This amino acid position is conserved. In addition, this alteration is predicted to be tolerated by in silico analysis. Since supporting evidence is limited at this time, the clinical significance of this alteration remains unclear.